The following is an entry in ClinVar:

ClinVar aggregate classification (germline): Conflicting classifications of pathogenicity. Review status: criteria provided, conflicting classifications (1 of 4 stars). 6 submissions from 6 submitters: Uncertain significance (1); Benign (1); Likely benign (4). Last evaluated 2025-10-15.

Conditions:
Epidermolysis bullosa simplex, Ogna type (EBS5A). Also called: Pidermolysis bullosa simplex 5A, Ogna type; EPIDERMOLYSIS BULLOSA SIMPLEX 5A, OGNA TYPE. Identifiers: Orphanet 79401, MedGen C0432317, MONDO:0007555, OMIM 131950.
Epidermolysis bullosa simplex 5C, with pyloric atresia (EBS5C). Also called: PLEC-Related Epidermolysis Bullosa with Pyloric Atresia; Epidermolysis bullosa simplex with pyloric atresia; PLEC1-Related Epidermolysis Bullosa with Pyloric Atresia. Identifiers: Orphanet 158684, MedGen C2677349, MONDO:0012807, OMIM 612138.
Autosomal recessive limb-girdle muscular dystrophy type 2Q (LGMDR17). Also called: MUSCULAR DYSTROPHY, LIMB-GIRDLE, AUTOSOMAL RECESSIVE 17. Identifiers: Orphanet 254361, MedGen C3150989, MONDO:0013390, OMIM 613723.
Epidermolysis bullosa simplex with nail dystrophy (EBS5D). Identifiers: MedGen C4225309, MONDO:0014661, OMIM 616487.
Epidermolysis bullosa simplex 5B, with muscular dystrophy (EBS5B). Also called: EPIDERMOLYSIS BULLOSA SIMPLEX AND LIMB-GIRDLE MUSCULAR DYSTROPHY; Epidermolysis bullosa simplex with muscular dystrophy. Identifiers: Orphanet 257, MedGen C2931072, MONDO:0009181, OMIM 226670.

Allele frequency attached by ClinVar (database versions not stated): ESP Exome Variant Server 0.00031; gnomAD exomes 0.00035 and 0.00046; TOPMed 0.00059; gnomAD 0.00064 and 0.00066; ExAC 0.00065; 1000 Genomes Project 30x 0.00109; 1000 Genomes Project 0.00120.

Submissions (6):

Labcorp Genetics (formerly Invitae), Labcorp
Classification: Likely benign for Autosomal recessive limb-girdle muscular dystrophy type 2Q; Epidermolysis bullosa simplex, Ogna type; Epidermolysis bullosa simplex with nail dystrophy; Epidermolysis bullosa simplex 5C, with pyloric atresia; Epidermolysis bullosa simplex 5B, with muscular dystrophy. Last evaluated: 2025-10-15. Review status: criteria provided, single submitter. Criteria: Invitae Variant Classification Sherloc (09022015). Collection method: clinical testing. Allele origin: germline.

Blueprint Genetics
Classification: Likely benign. Last evaluated: 2024-10-11. Review status: criteria provided, single submitter. Criteria: ACMG Guidelines, 2015. Collection method: clinical testing. Allele origin: germline.

Revvity Omics, Revvity
Classification: Benign. Last evaluated: 2024-04-25. Review status: criteria provided, single submitter. Criteria: ACMG Guidelines, 2015. Collection method: clinical testing. Allele origin: germline.

CeGaT Center for Human Genetics Tuebingen
Classification: Likely benign. Last evaluated: 2022-06-01. Review status: criteria provided, single submitter. Criteria: CeGaT Center For Human Genetics Tuebingen Variant Classification Criteria Version 2. Collection method: clinical testing. Allele origin: germline. Affected: yes. Observed: 1 variant allele.
Comment: PLEC: BP4, BP7

GeneDx
Classification: Likely benign. Last evaluated: 2018-07-30. Review status: criteria provided, single submitter. Criteria: GeneDx Variant Classification Process June 2021. Collection method: clinical testing. Allele origin: germline. Affected: yes.

Eurofins Ntd Llc (ga)
Classification: Uncertain significance. Last evaluated: 2015-10-07. Review status: criteria provided, single submitter. Criteria: EGL Classification Definitions 2015. Collection method: clinical testing. Allele origin: germline. Observed: 3 variant alleles, 3 heterozygotes.

NM_201384.3(PLEC):c.5796G>A (p.Ala1932=)

Gene: PLEC (plectin; minus strand). Cytogenetic location: 8q24.3.
Variant type: single nucleotide variant.
Coding change: c.5796G>A on transcript NM_201384.3 (MANE Select); coding-DNA position 5796, G replaced by A.
Protein change: p.Ala1932=; no amino-acid change (alanine 1932 retained).
Molecular consequence: synonymous variant.
Genome position (GRCh38, 1-based): chr8:143,924,133, C>T on the plus strand (G>A on the coding strand, the complement: PLEC is on the minus strand). VCF-style: chr8-143924133-C-T. GRCh37 (hg19) VCF-style: chr8-144998301-C-T.
Other names: c.5877G>A, p.Ala1959= (NM_000445.5); c.5754G>A, p.Ala1918= (NM_201378.4); c.5730G>A, p.Ala1910= (NM_201379.3); c.6207G>A, p.Ala2069= (NM_201380.4); c.5700G>A, p.Ala1900= (NM_201381.3); c.5796G>A, p.Ala1932= (NM_201382.4); c.5808G>A, p.Ala1936= (NM_201383.3).
Identifiers: ClinVar variation 196746 (VCV000196746.44), dbSNP rs375568532, ClinGen allele CA243948.